The following is an entry in ClinVar:

NM_182643.3(DLC1):c.974_982del (p.Leu325_Thr327del)

Gene: DLC1 (DLC1 Rho GTPase activating protein; minus strand). Cytogenetic location: 8p22.
Variant type: Deletion.
Coding change: c.974_982del on transcript NM_182643.3 (MANE Select); coding-DNA positions 974 to 982, 9 bases deleted (TGGCCACCC; older notation c.974_982delTGGCCACCC).
Protein change: p.Leu325_Thr327del.
Molecular consequence: inframe deletion. On other transcripts: 5 prime UTR variant (1), inframe indel (2).
Genome position (GRCh38, 1-based): chr8:13,499,090-13,499,098, GGGTGGCCA deleted on the plus strand (TGGCCACCC on the coding strand, the reverse complement: DLC1 is on the minus strand); deleting any 9 consecutive bases within chr8:13,499,090-13,499,102 gives the same sequence; the c. name uses the placement nearest the transcript's 3' end. VCF-style (leftmost placement, unchanged base first): chr8-13499089-TGGGTGGCCA-T. GRCh37 (hg19) VCF-style: chr8-13356598-TGGGTGGCCA-T.
Other names: c.974_982del, p.Leu325_Thr327del (NM_001348081.2, NM_024767.5); c.-478_-470del (NM_001348082.2); c.970_978delACCCTGGCC, p.Leu325_Thr327del (NM_001413124.1, NM_001413125.1).
Identifiers: ClinVar variation 2072659 (VCV002072659.5), dbSNP rs772737562, ClinGen allele CA4639353.

ClinVar aggregate classification (germline): Uncertain significance. Review status: criteria provided, multiple submitters, no conflicts (2 of 4 stars). 2 submissions from 2 submitters: Uncertain significance (2). Last evaluated 2025-11-06.

Conditions:
Colorectal cancer. Also called: Colorectal cancer, somatic; Malignant Colorectal Neoplasm. Identifiers: MedGen C0346629, MONDO:0005575, OMIM 114500.

Submissions (2):

Labcorp Genetics (formerly Invitae), Labcorp
Classification: Uncertain significance. Last evaluated: 2025-11-06. Review status: criteria provided, single submitter. Criteria: Invitae Variant Classification Sherloc (09022015). Collection method: clinical testing. Allele origin: germline.
Comment: This variant, c.974_982del, results in the deletion of 3 amino acid(s) of the DLC1 protein (p.Leu325_Thr327del), but otherwise preserves the integrity of the reading frame. This variant is present in population databases (rs772737562, gnomAD 0.2%), and has an allele count higher than expected for a pathogenic variant. This variant has not been reported in the literature in individuals affected with DLC1-related conditions. ClinVar contains an entry for this variant (Variation ID: 2072659). Experimental studies and prediction algorithms are not available or were not evaluated, and the functional significance of this variant is currently unknown. In summary, the available evidence is currently insufficient to determine the role of this variant in disease. Therefore, it has been classified as a Variant of Uncertain Significance.

Fulgent Genetics
Classification: Uncertain significance for Colorectal cancer. Last evaluated: 2024-02-27. Review status: criteria provided, single submitter. Criteria: ACMG Guidelines, 2015. Collection method: clinical testing. Allele origin: germline.